The following is an entry in ClinVar:

NM_001384474.1(LOXHD1):c.4299T>A (p.Tyr1433Ter)

Gene: LOXHD1 (lipoxygenase homology PLAT domains 1; minus strand). Cytogenetic location: 18q21.1.
Variant type: single nucleotide variant.
Coding change: c.4299T>A on transcript NM_001384474.1 (MANE Select); coding-DNA position 4299, T replaced by A.
Protein change: p.Tyr1433Ter; replaces tyrosine 1433 with a stop codon.
Molecular consequence: nonsense.
Genome position (GRCh38, 1-based): chr18:46,533,238, A>T on the plus strand (T>A on the coding strand, the complement: LOXHD1 is on the minus strand). VCF-style: chr18-46533238-A-T. GRCh37 (hg19) VCF-style: chr18-44113201-A-T.
Other names: c.966T>A, p.Tyr322Ter (NM_001145472.3); c.678T>A, p.Tyr226Ter (NM_001308013.2); c.4299T>A, p.Tyr1433Ter (NM_144612.7); short protein forms Y226*, Y1433*, Y322*.
Identifiers: ClinVar variation 1410571 (VCV001410571.6), dbSNP rs1467160997, ClinGen allele CA402375119.

ClinVar aggregate classification (germline): Pathogenic (1 of 4 stars; one submission).

Allele frequency attached by ClinVar (database versions not stated): TOPMed below 0.00001; gnomAD 0.00001.
gnomAD v4.1: 2 of 1,551,650 alleles (0.00013%); highest among the groups gnomAD compares: Non-Finnish European, 0.000087%; no homozygotes.

Submission:

Labcorp Genetics (formerly Invitae), Labcorp
Classification: Pathogenic. Last evaluated: 2020-10-27. Review status: criteria provided, single submitter. Criteria: Invitae Variant Classification Sherloc (09022015). Collection method: clinical testing. Allele origin: germline.
Comment: This sequence change creates a premature translational stop signal (p.Tyr1433*) in the LOXHD1 gene. It is expected to result in an absent or disrupted protein product. Loss-of-function variants in LOXHD1 are known to be pathogenic (PMID: 19732867, 21465660, 25792669). This variant is not present in population databases (ExAC no frequency). This variant has not been reported in the literature in individuals with LOXHD1-related conditions. For these reasons, this variant has been classified as Pathogenic.

Literature cited by the submitters: PubMed 19732867; PubMed 21465660; PubMed 25792669.